The following is an entry in ClinVar:

NM_001036.6(RYR3):c.354+5G>A

Gene: RYR3 (ryanodine receptor 3; plus strand). Cytogenetic location: 15q14.
Variant type: single nucleotide variant.
Coding change: c.354+5G>A on transcript NM_001036.6 (MANE Select); 5 bases into the intron after coding-DNA position 354, G replaced by A.
Molecular consequence: intron variant.
Genome position (GRCh38, 1-based): chr15:33,530,671, G>A. VCF-style: chr15-33530671-G-A. GRCh37 (hg19) VCF-style: chr15-33822872-G-A.
Other names: c.354+5G>A (NM_001243996.4).
Identifiers: ClinVar variation 967860 (VCV000967860.8), dbSNP rs1485242342, ClinGen allele CA1139663804.

ClinVar aggregate classification (germline): Uncertain significance (1 of 4 stars; one submission).

Conditions:
Epileptic encephalopathy. Identifiers: MedGen C0543888, HP:0200134.

Submission:

Labcorp Genetics (formerly Invitae), Labcorp
Classification: Uncertain significance for Epileptic encephalopathy. Last evaluated: 2022-03-19. Review status: criteria provided, single submitter. Criteria: Invitae Variant Classification Sherloc (09022015). Collection method: clinical testing. Allele origin: germline.
Comment: This sequence change falls in intron 4 of the RYR3 gene. It does not directly change the encoded amino acid sequence of the RYR3 protein. It affects a nucleotide within the consensus splice site. This variant is not present in population databases (gnomAD no frequency). This variant has not been reported in the literature in individuals affected with RYR3-related conditions. ClinVar contains an entry for this variant (Variation ID: 967860). Variants that disrupt the consensus splice site are a relatively common cause of aberrant splicing (PMID: 17576681, 9536098). Algorithms developed to predict the effect of sequence changes on RNA splicing suggest that this variant may disrupt the consensus splice site. In summary, the available evidence is currently insufficient to determine the role of this variant in disease. Therefore, it has been classified as a Variant of Uncertain Significance.

Literature cited by the submitters: PubMed 17576681; PubMed 9536098.